The following is an entry in ClinVar:

ClinVar aggregate classification (germline): Uncertain significance. Review status: criteria provided, multiple submitters, no conflicts (2 of 4 stars). 6 submissions from 6 submitters: Uncertain significance (6). Last evaluated 2025-12-16.

Conditions:
Cardiovascular phenotype. Identifiers: MedGen CN230736.
Arrhythmogenic right ventricular cardiomyopathy (ARVD). Also called: Arrhythmogenic cardiomyopathy; Cardiomyopathy, ARVC; Arrhythmogenic Right Ventricular Cardiomyopathy (ARVC); Arrhythmogenic right ventricular dysplasia. Identifiers: Orphanet 247, MedGen C0349788, MeSH D019571, MONDO:0016587. Disease mechanism: loss of function. Inheritance: Various modes of inheritance.
Cardiomyopathy (CMYO). Also called: Cardiomyopathies. Identifiers: Orphanet 167848, MedGen C0878544, MONDO:0004994, HP:0001638. Inheritance: Various modes of inheritance.
Arrhythmogenic right ventricular dysplasia 9 (ARVD9). Also called: Arrhythmogenic Right Ventricular Dysplasia/Cardiomyopathy 9; ARRHYTHMOGENIC RIGHT VENTRICULAR DYSPLASIA, FAMILIAL, 9. Identifiers: MedGen C1836906, MONDO:0012180, OMIM 609040.

Allele frequency attached by ClinVar (database versions not stated): gnomAD exomes below 0.00001; TOPMed below 0.00001; gnomAD 0.00001.
gnomAD v4.1: 7 of 1,614,008 alleles (0.00043%); highest among the groups gnomAD compares: African/African-American, 0.0027%; no homozygotes.

Submissions (6):

Ambry Genetics
Classification: Uncertain significance for Cardiovascular phenotype. Last evaluated: 2025-12-16. Review status: criteria provided, single submitter. Criteria: Ambry Variant Classification Scheme 2023. Collection method: clinical testing. Allele origin: germline.
Comment: The p.Y631C variant (also known as c.1892A>G), located in coding exon 9 of the PKP2 gene, results from an A to G substitution at nucleotide position 1892. The tyrosine at codon 631 is replaced by cysteine, an amino acid with highly dissimilar properties. This variant has been detected in individuals with features consistent with arrhythmogenic right ventricular cardiomyopathy; however, clinical details were limited and, in one family, the variant was reported to not co-segregate with phenotype (Barahona-Dussault C et al. Clin Genet, 2010 Jan;77:37-48; Rasmussen TB et al. Circ Cardiovasc Genet, 2014 Jun;7:230-40). This amino acid position is well conserved in available vertebrate species. In addition, this alteration is predicted to be deleterious by in silico analysis. Based on the available evidence, the clinical significance of this variant remains unclear.

Color Diagnostics, LLC DBA Color Health
Classification: Uncertain significance for Cardiomyopathy. Last evaluated: 2025-10-28. Review status: criteria provided, single submitter. Criteria: ACMG Guidelines, 2015. Collection method: clinical testing. Allele origin: germline.
Comment: This missense variant replaces tyrosine with cysteine at codon 631 of the PKP2 protein. Computational prediction is inconclusive regarding the impact of this variant on protein structure and function. To our knowledge, functional studies have not been reported for this variant. This variant has been reported in two individuals affected with arrhythmogenic right ventricular cardiomyopathy (PMID: 19863551, 24704780). The variant has been reported not to segregate with the phenotype in a family study (PMID: 24704780). This variant has not been identified in the general population by the Genome Aggregation Database (gnomAD). The available evidence is insufficient to determine the role of this variant in disease conclusively. Therefore, this variant is classified as a Variant of Uncertain Significance.

Molecular Diagnostic Laboratory for Inherited Cardiovascular Disease, Montreal Heart Institute
Classification: Uncertain significance for Cardiovascular phenotype. Last evaluated: 2025-04-09. Review status: criteria provided, single submitter. Criteria: ACMG Guidelines, 2015. Collection method: clinical testing. Allele origin: germline. Affected: yes.

Labcorp Genetics (formerly Invitae), Labcorp
Classification: Uncertain significance for Arrhythmogenic right ventricular dysplasia 9. Last evaluated: 2024-05-21. Review status: criteria provided, single submitter. Criteria: Invitae Variant Classification Sherloc (09022015). Collection method: clinical testing. Allele origin: germline.
Comment: This sequence change replaces tyrosine, which is neutral and polar, with cysteine, which is neutral and slightly polar, at codon 631 of the PKP2 protein (p.Tyr631Cys). This variant is not present in population databases (gnomAD no frequency). This missense change has been observed in individual(s) with arrhythmogenic cardiomyopathy (PMID: 24704780). ClinVar contains an entry for this variant (Variation ID: 406548). An algorithm developed to predict the effect of missense changes on protein structure and function (PolyPhen-2) suggests that this variant is likely to be disruptive. In summary, the available evidence is currently insufficient to determine the role of this variant in disease. Therefore, it has been classified as a Variant of Uncertain Significance.

All of Us Research Program, National Institutes of Health
Classification: Uncertain significance for Arrhythmogenic right ventricular cardiomyopathy. Last evaluated: 2023-06-28. Review status: criteria provided, single submitter. Criteria: ACMG Guidelines, 2015. Collection method: clinical testing. Allele origin: germline. Inheritance: Autosomal dominant inheritance. Observed: 1 variant allele, 1 heterozygote.
Comment: This missense variant replaces tyrosine with cysteine at codon 631 of the PKP2 protein. Computational prediction is inconclusive regarding the impact of this variant on protein structure and function (internally defined REVEL score threshold 0.5 < inconclusive < 0.7, PMID: 27666373). Splice site prediction tools suggest that this variant may not impact RNA splicing. To our knowledge, functional studies have not been performed for this variant. This variant has been reported in an individual affected with, or suspected of having, arrhythmogenic right ventricular cardiomyopathy (PMID: 19863551, 24704780). In one of these families, the variant was reported not to segregate with the phenotype in the family (PMID: 24704780). This variant has not been identified in the general population by the Genome Aggregation Database (gnomAD). The available evidence is insufficient to determine the role of this variant in disease conclusively. Therefore, this variant is classified as a Variant of Uncertain Significance.

This study involves interpretation of variants in research participants for the purpose of population health screening. Participant phenotype was not available at the time of variant classification. Additional details can be found in publication PMID: 35346344, PMCID: PMC8962531

Blueprint Genetics
Classification: Uncertain significance. Last evaluated: 2021-12-01. Review status: criteria provided, single submitter. Criteria: ACMG Guidelines, 2015. Collection method: clinical testing. Allele origin: germline.

Literature cited by the submitters: PubMed 19863551 (cited by 3 submitters); PubMed 24704780 (cited by 4 submitters).

NM_001005242.3(PKP2):c.1760A>G (p.Tyr587Cys)

Gene: PKP2 (plakophilin 2; minus strand). Cytogenetic location: 12p11.21.
Variant type: single nucleotide variant.
Coding change: c.1760A>G on transcript NM_001005242.3 (MANE Select); coding-DNA position 1760, A replaced by G.
Protein change: p.Tyr587Cys; replaces tyrosine 587 with cysteine.
Molecular consequence: missense variant.
Genome position (GRCh38, 1-based): chr12:32,822,546, T>C on the plus strand (A>G on the coding strand, the complement: PKP2 is on the minus strand). VCF-style: chr12-32822546-T-C. GRCh37 (hg19) VCF-style: chr12-32975480-T-C.
Other names: c.1760A>G (NM_001005242.2); c.1892A>G, p.Tyr631Cys (NM_004572.4); short protein forms Y631C, Y587C.
Identifiers: ClinVar variation 406548 (VCV000406548.19), dbSNP rs1060501183, ClinGen allele CA16613730.